The following is an entry in ClinVar:

ClinVar aggregate classification (germline): Uncertain significance. Review status: criteria provided, multiple submitters, no conflicts (2 of 4 stars). 3 submissions from 3 submitters: Uncertain significance (3). Last evaluated 2025-11-12.

Conditions:
Anterior segment dysgenesis 3 (ASGD3). Also called: IRIDOGONIODYSGENESIS ANOMALY, AUTOSOMAL DOMINANT; Glaucoma iridogoniodysplasia, familial. Identifiers: Orphanet 91483, MedGen C5975707, MONDO:0024456, OMIM 601631.
Axenfeld-Rieger syndrome type 3 (RIEG3). Also called: AXENFELD-RIEGER ANOMALY WITH CARDIAC DEFECTS AND/OR SENSORINEURAL HEARING LOSS. Identifiers: Orphanet 782, MedGen C2678503, MONDO:0011233, OMIM 602482.
Inborn genetic diseases. Identifiers: MedGen C0950123, MeSH D030342.

Allele frequency attached by ClinVar (database versions not stated): gnomAD exomes 0.00001; TOPMed 0.00001; gnomAD 0.00003; 1000 Genomes Project 30x 0.00016; 1000 Genomes Project 0.00020.

Submissions (3):

Ambry Genetics
Classification: Uncertain significance for Inborn genetic diseases. Last evaluated: 2025-11-12. Review status: criteria provided, single submitter. Criteria: Ambry Variant Classification Scheme 2023. Collection method: clinical testing. Allele origin: germline.

Labcorp Genetics (formerly Invitae), Labcorp
Classification: Uncertain significance for Axenfeld-Rieger syndrome type 3. Last evaluated: 2025-02-07. Review status: criteria provided, single submitter. Criteria: Invitae Variant Classification Sherloc (09022015). Collection method: clinical testing. Allele origin: germline.
Comment: This sequence change replaces alanine, which is neutral and non-polar, with threonine, which is neutral and polar, at codon 423 of the FOXC1 protein (p.Ala423Thr). This variant is present in population databases (rs281865460, gnomAD 0.02%). This variant has not been reported in the literature in individuals affected with FOXC1-related conditions. ClinVar contains an entry for this variant (Variation ID: 1484908). An algorithm developed to predict the effect of missense changes on protein structure and function (PolyPhen-2) suggests that this variant is likely to be tolerated. In summary, the available evidence is currently insufficient to determine the role of this variant in disease. Therefore, it has been classified as a Variant of Uncertain Significance.

Fulgent Genetics
Classification: Uncertain significance for Anterior segment dysgenesis 3; Axenfeld-Rieger syndrome type 3. Last evaluated: 2021-08-18. Review status: criteria provided, single submitter. Criteria: ACMG Guidelines, 2015. Collection method: clinical testing. Allele origin: unknown.

NM_001453.3(FOXC1):c.1267G>A (p.Ala423Thr)

Gene: FOXC1 (forkhead box C1; plus strand). Cytogenetic location: 6p25.3.
Variant type: single nucleotide variant.
Coding change: c.1267G>A on transcript NM_001453.3 (MANE Select); coding-DNA position 1267, G replaced by A.
Protein change: p.Ala423Thr; replaces alanine 423 with threonine.
Molecular consequence: missense variant.
Genome position (GRCh38, 1-based): chr6:1,611,712, G>A. VCF-style: chr6-1611712-G-A. GRCh37 (hg19) VCF-style: chr6-1611947-G-A.
Other names: c.1267G>A (NM_001453.2); short protein forms A423T.
Identifiers: ClinVar variation 1484908 (VCV001484908.10), dbSNP rs281865460, ClinGen allele CA133391219.